The following is an entry in ClinVar:

ClinVar aggregate classification (germline): Conflicting classifications of pathogenicity. Review status: criteria provided, conflicting classifications (1 of 4 stars). 3 submissions from 3 submitters: Uncertain significance (2); Likely benign (1). Last evaluated 2026-01-18.

Conditions:
Benign neonatal seizures. Also called: Benign familial neonatal seizures; Benign neonatal familial convulsions; Convulsions benign familial neonatal dominant form; Autosomal dominant form of benign neonatal seizures; Benign familial neonatal epilepsy. Identifiers: Orphanet 1949, MedGen C0220669, MONDO:0016027.
Inborn genetic diseases. Identifiers: MedGen C0950123, MeSH D030342.

Submissions (3):

Labcorp Genetics (formerly Invitae), Labcorp
Classification: Uncertain significance for Benign neonatal seizures. Last evaluated: 2026-01-18. Review status: criteria provided, single submitter. Criteria: Invitae Variant Classification Sherloc (09022015). Collection method: clinical testing. Allele origin: germline.
Comment: This variant, c.56_73del, results in the deletion of 6 amino acid(s) of the KCNQ3 protein (p.Gly19_Gly24del), but otherwise preserves the integrity of the reading frame. The frequency data for this variant in the population databases is considered unreliable, as metrics indicate poor data quality at this position in the gnomAD database. This variant has not been reported in the literature in individuals affected with KCNQ3-related conditions. ClinVar contains an entry for this variant (Variation ID: 206000). Experimental studies and prediction algorithms are not available or were not evaluated, and the functional significance of this variant is currently unknown. In summary, the available evidence is currently insufficient to determine the role of this variant in disease. Therefore, it has been classified as a Variant of Uncertain Significance.

Ambry Genetics
Classification: Likely benign for Inborn genetic diseases. Last evaluated: 2025-02-19. Review status: criteria provided, single submitter. Criteria: Ambry Variant Classification Scheme 2023. Collection method: clinical testing. Allele origin: germline.

GeneDx
Classification: Uncertain significance. Last evaluated: 2015-01-07. Review status: criteria provided, single submitter. Criteria: GeneDx Variant Classification (06012015). Collection method: clinical testing. Allele origin: germline. Affected: yes.
Comment: p.Gly19_Gly24del (G19_G24del): c.56_73del18. The c.56_73del18 variant has not been published as a mutation, nor has it been reported as a benign polymorphism to our knowledge. The c.56_73del18 variant results in an in-frame deletion of 6 amino acid residues, denoted p.G19_G24del. However, this deletion occurs at a position that is not conserved across species. c.56_73del18 may be a benign variant not associated with a specified phenotype; however, the possibility that it is a disease-associated mutation cannot be excluded. The variant is found in EPILEPSY panel(s).

NM_004519.4(KCNQ3):c.56_73del (p.Gly19_Gly24del)

Gene: KCNQ3 (potassium voltage-gated channel subfamily Q member 3; minus strand). Cytogenetic location: 8q24.22.
Variant type: Deletion.
Coding change: c.56_73del on transcript NM_004519.4 (MANE Select); coding-DNA positions 56 to 73, 18 bases deleted (GCGGCGGAGGCGGCGGGG).
Protein change: p.Gly19_Gly24del.
Molecular consequence: inframe deletion.
Genome position (GRCh38, 1-based): chr8:132,480,460-132,480,477, CCCCGCCGCCTCCGCCGC deleted on the plus strand (GCGGCGGAGGCGGCGGGG on the coding strand, the reverse complement: KCNQ3 is on the minus strand); deleting any 18 consecutive bases within chr8:132,480,460-132,480,482 gives the same sequence; the c. name uses the placement nearest the transcript's 3' end. VCF-style (leftmost placement, unchanged base first): chr8-132480459-GCCCCGCCGCCTCCGCCGC-G. GRCh37 (hg19) VCF-style: chr8-133492706-GCCCCGCCGCCTCCGCCGC-G.
Other names: c.56_73del (NM_004519.3).
Identifiers: ClinVar variation 206000 (VCV000206000.16), dbSNP rs774616642, ClinGen allele CA315664.